The following is an entry in ClinVar:

NM_138272.3(MPIG6B):c.599C>T (p.Pro200Leu)

Gene: MPIG6B (megakaryocyte and platelet inhibitory receptor G6b; plus strand). Cytogenetic location: 6p21.33.
Variant type: single nucleotide variant.
Coding change: c.599C>T on transcript NM_138272.3 (MANE Select); coding-DNA position 599, C replaced by T.
Protein change: p.Pro200Leu; replaces proline 200 with leucine.
Molecular consequence: missense variant. On other transcripts: synonymous variant (3).
Genome position (GRCh38, 1-based): chr6:31,724,822, C>T. VCF-style: chr6-31724822-C-T. GRCh37 (hg19) VCF-style: chr6-31692599-C-T.
Other names: c.618C>T, p.Ser206= (NM_025260.4, NM_138277.3); c.527C>T, p.Pro176Leu (NM_138273.3); c.486C>T, p.Ser162= (NM_138274.3); c.467C>T, p.Pro156Leu (NM_138275.3); short protein forms P156L, P176L, P200L.
Identifiers: ClinVar variation 2656416 (VCV002656416.24), dbSNP rs1168082184, ClinGen allele CA363374163.

ClinVar aggregate classification (germline): Uncertain significance (1 of 4 stars; one submission).

Allele frequency attached by ClinVar (database versions not stated): gnomAD exomes below 0.00001; gnomAD 0.00001; TOPMed 0.00001.
gnomAD v4.1: 9 of 1,613,818 alleles (0.00056%); highest among the groups gnomAD compares: Non-Finnish European, 0.00068%; no homozygotes.

Submission:

CeGaT Center for Human Genetics Tuebingen
Classification: Uncertain significance. Last evaluated: 2022-05-01. Review status: criteria provided, single submitter. Criteria: CeGaT Center For Human Genetics Tuebingen Variant Classification Criteria Version 2. Collection method: clinical testing. Allele origin: germline. Affected: yes. Observed: 1 variant allele.
Comment: MPIG6B: PM2, BP4